The following is an entry in ClinVar:

NM_000092.5(COL4A4):c.4082-48T>A

Gene: COL4A4 (collagen type IV alpha 4 chain; minus strand). Cytogenetic location: 2q36.3.
Variant type: single nucleotide variant.
Coding change: c.4082-48T>A on transcript NM_000092.5 (MANE Select); 48 bases into the intron before coding-DNA position 4082, T replaced by A.
Molecular consequence: intron variant.
Genome position (GRCh38, 1-based): chr2:227,025,858, A>T on the plus strand (T>A on the coding strand, the complement: COL4A4 is on the minus strand). VCF-style: chr2-227025858-A-T. GRCh37 (hg19) VCF-style: chr2-227890574-A-T.
Identifiers: ClinVar variation 3370346 (VCV003370346.1).

ClinVar aggregate classification (germline): Uncertain significance (1 of 4 stars; one submission).

Conditions:
Autosomal recessive Alport syndrome (ATS2). Also called: COL4A3-Related Nephropathy; COL4A4 Alport Syndrome and Thin Basement Membrane Nephropathy; ALPORT SYNDROME 2, AUTOSOMAL RECESSIVE; Alport syndrome type 2. Identifiers: Orphanet 63, Orphanet 88919, MedGen C4746745, MONDO:0008762, OMIM 203780.

Submission:

MVZ Medizinische Genetik Mainz
Classification: Uncertain significance for Autosomal recessive Alport syndrome. Last evaluated: 2024-09-25. Review status: criteria provided, single submitter. Criteria: UK Practice Guidelines For Variant Classification V4 01 2020. Collection method: clinical testing. Allele origin: germline. Inheritance: Autosomal dominant inheritance. Affected: yes. Observed: 1 variant allele.
Comment: ACMG Criteria: PM2_SUP,PP3,PP4